The following is an entry in ClinVar:

NM_000222.3(KIT):c.1140G>A (p.Thr380=)

Gene: KIT (KIT proto-oncogene, receptor tyrosine kinase; plus strand). Cytogenetic location: 4q12.
Variant type: single nucleotide variant.
Coding change: c.1140G>A on transcript NM_000222.3 (MANE Select); coding-DNA position 1140, G replaced by A.
Protein change: p.Thr380=; no amino-acid change (threonine 380 retained).
Molecular consequence: synonymous variant.
Genome position (GRCh38, 1-based): chr4:54,709,448, G>A. VCF-style: chr4-54709448-G-A. GRCh37 (hg19) VCF-style: chr4-55575614-G-A.
Other names: c.1140G>A, p.Thr380= (NM_001093772.2, NM_001385285.1, NM_001385286.1); c.1143G>A, p.Thr381= (NM_001385284.1, NM_001385288.1, NM_001385290.1 and 1 more transcripts).
Identifiers: ClinVar variation 415798 (VCV000415798.16), dbSNP rs766702350, ClinGen allele CA2923397.

ClinVar aggregate classification (germline): Benign/Likely benign. Review status: criteria provided, multiple submitters, no conflicts (2 of 4 stars). 4 submissions from 4 submitters: Benign (1); Likely benign (3). Last evaluated 2026-06-03.

Conditions:
Gastrointestinal stromal tumor. Also called: Gastrointestinal stromal tumor, somatic; Gastrointestinal stroma tumor. Identifiers: Orphanet 44890, MedGen C0238198, MeSH D046152, MONDO:0011719, OMIM 606764, HP:0100723.
Hereditary cancer-predisposing syndrome. Also called: Tumor predisposition; Hereditary Cancer Syndrome; Hereditary neoplastic syndrome; Neoplastic Syndromes, Hereditary. Identifiers: Orphanet 140162, MedGen C0027672, MeSH D009386, MONDO:0015356.

Allele frequency attached by ClinVar (database versions not stated): ExAC 0.00001; gnomAD 0.00001; gnomAD exomes 0.00001 and 0.00002; TOPMed 0.00001.
gnomAD v4.1: 27 of 1,612,712 alleles (0.0017%); highest among the groups gnomAD compares: Non-Finnish European, 0.0022%; no homozygotes.

Submissions (4):

Myriad Genetics, Inc.
Classification: Benign for Gastrointestinal stromal tumor. Last evaluated: 2026-06-03. Review status: criteria provided, single submitter. Criteria: Myriad Autosomal Dominant, Autosomal Recessive and X-Linked Classification Criteria (2023). Collection method: clinical testing. Allele origin: unknown.
Comment: This variant is considered benign. This variant is a silent/synonymous amino acid change and it is not expected to impact splicing.

Labcorp Genetics (formerly Invitae), Labcorp
Classification: Likely benign for Gastrointestinal stromal tumor. Last evaluated: 2026-01-21. Review status: criteria provided, single submitter. Criteria: Invitae Variant Classification Sherloc (09022015). Collection method: clinical testing. Allele origin: germline.

Ambry Genetics
Classification: Likely benign for Hereditary cancer-predisposing syndrome. Last evaluated: 2022-02-18. Review status: criteria provided, single submitter. Criteria: Ambry Variant Classification Scheme 2023. Collection method: clinical testing. Allele origin: germline.

Blueprint Genetics
Classification: Likely benign. Last evaluated: 2021-05-01. Review status: criteria provided, single submitter. Criteria: ACMG Guidelines, 2015. Collection method: clinical testing. Allele origin: germline.